The following is an entry in ClinVar:

ClinVar aggregate classification (germline): Uncertain significance (1 of 4 stars; one submission).

Conditions:
Renal cysts and diabetes syndrome (RCAD). Also called: MATURITY-ONSET DIABETES OF THE YOUNG, TYPE 5; Familial hypoplastic, glomerulocystic kidney. Identifiers: Orphanet 93111, MedGen C0431693, MONDO:0007669, OMIM 137920.

Submission:

MVZ Medizinische Genetik Mainz
Classification: Uncertain significance for Renal cysts and diabetes syndrome. Last evaluated: 2021-06-22. Review status: criteria provided, single submitter. Criteria: UK Practice Guidelines For Variant Classification V4 01 2020. Collection method: clinical testing. Allele origin: germline. Inheritance: Autosomal dominant inheritance. Affected: yes. Observed: 1 variant allele.
Comment: ACMG Criteria: PM2_SUP, PP3, PP4

NM_000458.4(HNF1B):c.1363A>C (p.Ser455Arg)

Gene: HNF1B (HNF1 homeobox B; minus strand). Cytogenetic location: 17q12.
Variant type: single nucleotide variant.
Coding change: c.1363A>C on transcript NM_000458.4 (MANE Select); coding-DNA position 1363, A replaced by C.
Protein change: p.Ser455Arg; replaces serine 455 with arginine.
Molecular consequence: missense variant. On other transcripts: intron variant (1).
Genome position (GRCh38, 1-based): chr17:37,701,154, T>G on the plus strand (A>C on the coding strand, the complement: HNF1B is on the minus strand). VCF-style: chr17-37701154-T-G. GRCh37 (hg19) VCF-style: chr17-36061159-T-G.
Other names: c.1285A>C, p.Ser429Arg (NM_001165923.4); c.1363A>C, p.Ser455Arg (NM_001411100.1); c.1261+3763A>C (NM_001304286.2); short protein forms S429R, S455R.
Identifiers: ClinVar variation 3235154 (VCV003235154.1), dbSNP rs2511701043.